The following is an entry in ClinVar:

NM_000548.5(TSC2):c.1776C>G (p.Ser592Arg)

Gene: TSC2 (TSC complex subunit 2; plus strand). Cytogenetic location: 16p13.3.
Variant type: single nucleotide variant.
Coding change: c.1776C>G on transcript NM_000548.5 (MANE Select); coding-DNA position 1776, C replaced by G.
Protein change: p.Ser592Arg; replaces serine 592 with arginine.
Molecular consequence: missense variant. On other transcripts: non-coding transcript variant (5).
Genome position (GRCh38, 1-based): chr16:2,070,515, C>G. VCF-style: chr16-2070515-C-G. GRCh37 (hg19) VCF-style: chr16-2120516-C-G.
Other names: c.1776C>G, p.Ser592Arg (NM_001077183.3, NM_001114382.3, NM_001363528.2 and 6 more transcripts); c.1665C>G, p.Ser555Arg (NM_001318827.2, NM_001406670.1, NM_001406678.1); c.1629C>G, p.Ser543Arg (NM_001318829.2, NM_001406675.1, NM_001406676.1 and 1 more transcripts); c.1176C>G, p.Ser392Arg (NM_001318831.2, NM_001406687.1, NM_001406688.1 and 6 more transcripts); c.1809C>G, p.Ser603Arg (NM_001318832.2); c.1866C>G, p.Ser622Arg (NM_001406667.1, NM_001406668.1); c.1764C>G, p.Ser588Arg (NM_001406671.1, NM_001406673.1); c.432C>G, p.Ser144Arg (NM_001406689.1, NM_001406690.1, NM_001406691.1 and 6 more transcripts); and 3 more; short protein forms S438R, S573R, S58R, S592R, S392R, S603R, S144R, S543R.
Identifiers: ClinVar variation 2720886 (VCV002720886.4), dbSNP rs1555505122, ClinGen allele CA394272897.

ClinVar aggregate classification (germline): Uncertain significance. Review status: criteria provided, multiple submitters, no conflicts (2 of 4 stars). 2 submissions from 2 submitters: Uncertain significance (2). Last evaluated 2026-02-19.

Conditions:
Hereditary cancer-predisposing syndrome. Also called: Tumor predisposition; Hereditary Cancer Syndrome; Hereditary neoplastic syndrome; Neoplastic Syndromes, Hereditary. Identifiers: Orphanet 140162, MedGen C0027672, MeSH D009386, MONDO:0015356.
Tuberous sclerosis 2 (TSC2). Identifiers: Orphanet 805, MedGen C1860707, MONDO:0013199, OMIM 613254.

Submissions (2):

Ambry Genetics
Classification: Uncertain significance for Hereditary cancer-predisposing syndrome. Last evaluated: 2026-02-19. Review status: criteria provided, single submitter. Criteria: Ambry Variant Classification Scheme 2023. Collection method: clinical testing. Allele origin: germline.
Comment: The p.S592R variant (also known as c.1776C>G), located in coding exon 16 of the TSC2 gene, results from a C to G substitution at nucleotide position 1776. The serine at codon 592 is replaced by arginine, an amino acid with dissimilar properties. This amino acid position is not well conserved in available vertebrate species. In addition, this alteration is predicted to be tolerated by in silico analysis. Based on the available evidence, the clinical significance of this variant remains unclear.

Labcorp Genetics (formerly Invitae), Labcorp
Classification: Uncertain significance for Tuberous sclerosis 2. Last evaluated: 2022-12-15. Review status: criteria provided, single submitter. Criteria: Invitae Variant Classification Sherloc (09022015). Collection method: clinical testing. Allele origin: germline.
Comment: This sequence change replaces serine, which is neutral and polar, with arginine, which is basic and polar, at codon 592 of the TSC2 protein (p.Ser592Arg). This variant is not present in population databases (gnomAD no frequency). This variant has not been reported in the literature in individuals affected with TSC2-related conditions. Advanced modeling of protein sequence and biophysical properties (such as structural, functional, and spatial information, amino acid conservation, physicochemical variation, residue mobility, and thermodynamic stability) performed at Invitae indicates that this missense variant is not expected to disrupt TSC2 protein function. In summary, the available evidence is currently insufficient to determine the role of this variant in disease. Therefore, it has been classified as a Variant of Uncertain Significance.